The following is an entry in ClinVar:

NM_001367624.2(ZNF469):c.8883G>A (p.Trp2961Ter)

Gene: ZNF469 (zinc finger protein 469; plus strand). Cytogenetic location: 16q24.2.
Variant type: single nucleotide variant.
Coding change: c.8883G>A on transcript NM_001367624.2 (MANE Select); coding-DNA position 8883, G replaced by A.
Protein change: p.Trp2961Ter; replaces tryptophan 2961 with a stop codon.
Molecular consequence: nonsense.
Genome position (GRCh38, 1-based): chr16:88,436,353, G>A. VCF-style: chr16-88436353-G-A. GRCh37 (hg19) VCF-style: chr16-88502761-G-A.
Other names: short protein forms W2961*.
Identifiers: ClinVar variation 2875338 (VCV002875338.3), dbSNP rs2507601279, ClinGen allele CA397119632.

ClinVar aggregate classification (germline): Pathogenic (1 of 4 stars; one submission).

Submission:

Labcorp Genetics (formerly Invitae), Labcorp
Classification: Pathogenic. Last evaluated: 2023-06-23. Review status: criteria provided, single submitter. Criteria: Invitae Variant Classification Sherloc (09022015). Collection method: clinical testing. Allele origin: germline.
Comment: For these reasons, this variant has been classified as Pathogenic. This variant disrupts a region of the ZNF469 protein in which other variant(s) (p.Pro3556Glnfs*136) have been determined to be pathogenic (PMID: 32671420). This suggests that this is a clinically significant region of the protein, and that variants that disrupt it are likely to be disease-causing. This variant has not been reported in the literature in individuals affected with ZNF469-related conditions. This variant is not present in population databases (gnomAD no frequency). This sequence change creates a premature translational stop signal (p.Trp2933*) in the ZNF469 gene. While this is not anticipated to result in nonsense mediated decay, it is expected to disrupt the last 993 amino acid(s) of the ZNF469 protein.

Literature cited by the submitters: PubMed 32671420.